The following is an entry in ClinVar:

ClinVar aggregate classification (germline): Uncertain significance (1 of 4 stars; one submission).

Conditions:
Familial hypobetalipoproteinemia 1. Also called: APOB-Related Familial Hypobetalipoproteinemia; Hypobetalipoproteinemia, normotriglyceridemic; Acanthocytosis with hypobetalipoproteinemia. Identifiers: MedGen C4551990, MONDO:0014252, OMIM 615558.
Hypercholesterolemia, autosomal dominant, type B (FHCL2). Also called: Hyperlipoproteinemia Type IIb; Familial Hypercholesterolemia Type B; APOLIPOPROTEIN B-100, FAMILIAL DEFECTIVE; APOLIPOPROTEIN B-100, FAMILIAL LIGAND-DEFECTIVE; HYPERCHOLESTEROLEMIA, FAMILIAL, DUE TO LIGAND-DEFECTIVE APOLIPOPROTEIN B; APOB-Related Familial Hypercholesterolemia, Autosomal Dominant. Identifiers: MedGen C1704417, MONDO:0007751, OMIM 144010.

gnomAD v4.1: 2 of 1,614,148 alleles (0.00012%); highest among the groups gnomAD compares: Non-Finnish European, 0.00017%; no homozygotes.

Submission:

Labcorp Genetics (formerly Invitae), Labcorp
Classification: Uncertain significance for Familial hypobetalipoproteinemia 1; Hypercholesterolemia, autosomal dominant, type B. Last evaluated: 2025-10-18. Review status: criteria provided, single submitter. Criteria: Invitae Variant Classification Sherloc (09022015). Collection method: clinical testing. Allele origin: germline.
Comment: This sequence change replaces serine, which is neutral and polar, with isoleucine, which is neutral and non-polar, at codon 1893 of the APOB protein (p.Ser1893Ile). This variant is not present in population databases (gnomAD no frequency). This variant has not been reported in the literature in individuals affected with APOB-related conditions. ClinVar contains an entry for this variant (Variation ID: 2162671). Invitae Evidence Modeling of protein sequence and biophysical properties (such as structural, functional, and spatial information, amino acid conservation, physicochemical variation, residue mobility, and thermodynamic stability) indicates that this missense variant is not expected to disrupt APOB protein function with a negative predictive value of 95%. In summary, the available evidence is currently insufficient to determine the role of this variant in disease. Therefore, it has been classified as a Variant of Uncertain Significance.

NM_000384.3(APOB):c.5678G>T (p.Ser1893Ile)

Gene: APOB (apolipoprotein B; minus strand). Cytogenetic location: 2p24.1.
Variant type: single nucleotide variant.
Coding change: c.5678G>T on transcript NM_000384.3 (MANE Select); coding-DNA position 5678, G replaced by T.
Protein change: p.Ser1893Ile; replaces serine 1893 with isoleucine.
Molecular consequence: missense variant.
Genome position (GRCh38, 1-based): chr2:21,011,190, C>A on the plus strand (G>T on the coding strand, the complement: APOB is on the minus strand). VCF-style: chr2-21011190-C-A. GRCh37 (hg19) VCF-style: chr2-21234062-C-A.
Other names: short protein forms S1893I.
Identifiers: ClinVar variation 2162671 (VCV002162671.4), dbSNP rs2465374007, ClinGen allele CA346004208.